The following is an entry in ClinVar:

ClinVar aggregate classification (germline): Uncertain significance (1 of 4 stars; one submission).

gnomAD v4.1: 10 of 1,598,456 alleles (0.00063%); highest among the groups gnomAD compares: South Asian, 0.0011%; no homozygotes.

Submission:

Labcorp Genetics (formerly Invitae), Labcorp
Classification: Uncertain significance. Last evaluated: 2022-03-19. Review status: criteria provided, single submitter. Criteria: Invitae Variant Classification Sherloc (09022015). Collection method: clinical testing. Allele origin: germline.
Comment: In summary, the available evidence is currently insufficient to determine the role of this variant in disease. Therefore, it has been classified as a Variant of Uncertain Significance. Algorithms developed to predict the effect of missense changes on protein structure and function are either unavailable or do not agree on the potential impact of this missense change (SIFT: "Deleterious"; PolyPhen-2: "Probably Damaging"; Align-GVGD: "Class C0"). This variant has not been reported in the literature in individuals affected with SZT2-related conditions. This variant is present in population databases (no rsID available, gnomAD 0.003%). This sequence change replaces arginine, which is basic and polar, with cysteine, which is neutral and slightly polar, at codon 386 of the SZT2 protein (p.Arg386Cys).

NM_001365999.1(SZT2):c.1156C>T (p.Arg386Cys)

Gene: SZT2 (SZT2 subunit of KICSTOR complex; plus strand). Cytogenetic location: 1p34.2.
Variant type: single nucleotide variant.
Coding change: c.1156C>T on transcript NM_001365999.1 (MANE Select); coding-DNA position 1156, C replaced by T.
Protein change: p.Arg386Cys; replaces arginine 386 with cysteine.
Molecular consequence: missense variant.
Genome position (GRCh38, 1-based): chr1:43,420,218, C>T. VCF-style: chr1-43420218-C-T. GRCh37 (hg19) VCF-style: chr1-43885889-C-T.
Other names: c.1156C>T, p.Arg386Cys (NM_015284.4); short protein forms R386C.
Identifiers: ClinVar variation 2167449 (VCV002167449.4), dbSNP rs1366497634, ClinGen allele CA340006675.
Genomic context (GRCh38, chr1:43,420,218, plus strand): 5'-CAGCACCGCCTATTTAATGAGCACCTGGTCTCTGCAAGCAGCAACCCTGCCCTGGCCTTG[C>T]GCCGGAAGAAGCACACTGAGAAGGAGGTGCCAGCCGACTTGGTCAGCACTGTGTCCGTAC-3'
Protein context (NP_001352928.1, residues 376-396): SASSNPALAL[Arg386Cys]RKKHTEKEVP